The following is an entry in ClinVar:

ClinVar aggregate classification (germline): Uncertain significance. Review status: criteria provided, multiple submitters, no conflicts (2 of 4 stars). 2 submissions from 2 submitters: Uncertain significance (2). Last evaluated 2023-06-27.

Conditions:
Intellectual developmental disorder with autism and macrocephaly. Also called: Autism, susceptibility to, 18; CHD8-Related Neurodevelopmental Disorder with Overgrowth. Identifiers: Orphanet 642675, MedGen C3554373, MONDO:0014017, OMIM 615032.

gnomAD v4.1: 2 of 1,612,292 alleles (0.00012%); highest among the groups gnomAD compares: Non-Finnish European, 0.00017%; no homozygotes.

Submissions (2):

GeneDx
Classification: Uncertain significance. Last evaluated: 2023-06-27. Review status: criteria provided, single submitter. Criteria: GeneDx Variant Classification Process June 2021. Collection method: clinical testing. Allele origin: germline. Affected: yes.
Comment: Not observed at significant frequency in large population cohorts (gnomAD); In silico analysis supports that this missense variant has a deleterious effect on protein structure/function; Has not been previously published as pathogenic or benign to our knowledge

Laboratorio de Genetica e Diagnostico Molecular, Hospital Israelita Albert Einstein
Classification: Uncertain significance for Intellectual developmental disorder with autism and macrocephaly. Last evaluated: 2022-07-22. Review status: criteria provided, single submitter. Criteria: ACMG Guidelines, 2015. Collection method: clinical testing. Allele origin: germline. Affected: yes.
Comment: ACMG classification criteria: PM2 moderate, PP3 supporting

NM_001170629.2(CHD8):c.3388C>T (p.Arg1130Cys)

Gene: CHD8 (chromodomain helicase DNA binding protein 8; minus strand). Cytogenetic location: 14q11.2.
Variant type: single nucleotide variant.
Coding change: c.3388C>T on transcript NM_001170629.2 (MANE Select); coding-DNA position 3388, C replaced by T.
Protein change: p.Arg1130Cys; replaces arginine 1130 with cysteine.
Molecular consequence: missense variant.
Genome position (GRCh38, 1-based): chr14:21,403,583, G>A on the plus strand (C>T on the coding strand, the complement: CHD8 is on the minus strand). VCF-style: chr14-21403583-G-A. GRCh37 (hg19) VCF-style: chr14-21871742-G-A.
Other names: c.2551C>T, p.Arg851Cys (NM_020920.4); short protein forms R1130C, R851C.
Identifiers: ClinVar variation 3360523 (VCV003360523.2).
Genomic context (GRCh38, chr14:21,403,583, plus strand): 5'-GGCCACCAGCTTTAAGCTTTGGAAGCAACTTGTCAATAAGAACCAGTTTGCCGGCTGAAC[G>A]AACCATGGCCTGCAGGTGAAAGTCATGAGGTATAATATGGCAAGCTTCACGGAATTCTGT-3'
Protein context (NP_001164100.1, residues 1120-1140): PHDFHLQAMV[Arg1130Cys]SAGKLVLIDK